The following is an entry in ClinVar:

ClinVar aggregate classification (germline): Uncertain significance (1 of 4 stars; one submission).

Allele frequency attached by ClinVar (database versions not stated): gnomAD exomes below 0.00001; ExAC 0.00001.
gnomAD v4.1: 3 of 1,613,834 alleles (0.00019%); highest among the groups gnomAD compares: Non-Finnish European, 0.00025%; no homozygotes.

Submission:

Labcorp Genetics (formerly Invitae), Labcorp
Classification: Uncertain significance. Last evaluated: 2024-09-26. Review status: criteria provided, single submitter. Criteria: Invitae Variant Classification Sherloc (09022015). Collection method: clinical testing. Allele origin: germline.
Comment: This sequence change replaces threonine, which is neutral and polar, with alanine, which is neutral and non-polar, at codon 1060 of the MSH3 protein (p.Thr1060Ala). This variant is present in population databases (rs777682307, gnomAD 0.0009%). This variant has not been reported in the literature in individuals affected with MSH3-related conditions. An algorithm developed to predict the effect of missense changes on protein structure and function (PolyPhen-2) suggests that this variant is likely to be disruptive. In summary, the available evidence is currently insufficient to determine the role of this variant in disease. Therefore, it has been classified as a Variant of Uncertain Significance.

NM_002439.5(MSH3):c.3178A>G (p.Thr1060Ala)

Gene: MSH3 (mutS homolog 3; plus strand). Cytogenetic location: 5q14.1.
Variant type: single nucleotide variant.
Coding change: c.3178A>G on transcript NM_002439.5 (MANE Select); coding-DNA position 3178, A replaced by G.
Protein change: p.Thr1060Ala; replaces threonine 1060 with alanine.
Molecular consequence: missense variant.
Genome position (GRCh38, 1-based): chr5:80,873,163, A>G. VCF-style: chr5-80873163-A-G. GRCh37 (hg19) VCF-style: chr5-80168982-A-G.
Other names: short protein forms T1060A.
Identifiers: ClinVar variation 2820645 (VCV002820645.3), dbSNP rs777682307, ClinGen allele CA3328476.
Genomic context (GRCh38, chr5:80,873,163, plus strand): 5'-CTTTATTTCACAGGCGCAGCAGAACAAGTCCCTGATTTTGTCACCTTCCTTTACCAAATA[A>G]CTAGAGGAATTGCAGCAAGGAGTTATGGATTAAATGTGGCTAAACTAGCAGATGTTCCTG-3'
Protein context (NP_002430.3, residues 1050-1070): PDFVTFLYQI[Thr1060Ala]RGIAARSYGL